The following is an entry in ClinVar:

ClinVar aggregate classification (germline): Uncertain significance (1 of 4 stars; one submission).

Submission:

Labcorp Genetics (formerly Invitae), Labcorp
Classification: Uncertain significance. Last evaluated: 2024-10-14. Review status: criteria provided, single submitter. Criteria: Invitae Variant Classification Sherloc (09022015). Collection method: clinical testing. Allele origin: germline.
Comment: This sequence change creates a premature translational stop signal (p.Gln147*) in the ELMOD3 gene. It is expected to result in an absent or disrupted protein product. However, the current clinical and genetic evidence is not sufficient to establish whether loss-of-function variants in ELMOD3 cause disease. This variant is not present in population databases (gnomAD no frequency). This variant has not been reported in the literature in individuals affected with ELMOD3-related conditions. Algorithms developed to predict the effect of sequence changes on RNA splicing suggest that this variant may disrupt the consensus splice site. In summary, the available evidence is currently insufficient to determine the role of this variant in disease. Therefore, it has been classified as a Variant of Uncertain Significance.

NM_001135022.2(ELMOD3):c.439C>T (p.Gln147Ter)

Gene: ELMOD3 (ELMO domain containing 3; plus strand). Cytogenetic location: 2p11.2.
Variant type: single nucleotide variant.
Coding change: c.439C>T on transcript NM_001135022.2 (MANE Select); coding-DNA position 439, C replaced by T.
Protein change: p.Gln147Ter; replaces glutamine 147 with a stop codon.
Molecular consequence: nonsense. On other transcripts: non-coding transcript variant (3).
Genome position (GRCh38, 1-based): chr2:85,371,164, C>T. VCF-style: chr2-85371164-C-T. GRCh37 (hg19) VCF-style: chr2-85598287-C-T.
Other names: c.439C>T, p.Gln147Ter (NM_001135021.2, NM_001135023.2, NM_001329791.2 and 3 more transcripts); short protein forms Q147*.
Identifiers: ClinVar variation 3697691 (VCV003697691.2).
Genomic context (GRCh38, chr2:85,371,164, plus strand): 5'-ATTCGAAGGACTGGGCTCGCCGCCCTCCGACACTACCTCTTCGGGCCTCCAAAGCTCCAC[C>T]AGCGCCTTCGGGAAGAAAGGGACTTGGTCCTGACCATTGCTCAGTGTGAGTGCAATGCGA-3'